The following is an entry in ClinVar:

NM_001126106.4(SLC7A7):c.-190A>G

Gene: SLC7A7 (solute carrier family 7 member 7; minus strand). Cytogenetic location: 14q11.2.
Variant type: single nucleotide variant.
Coding change: c.-190A>G on transcript NM_001126106.4; 190 bases upstream of the start codon, A replaced by G.
Molecular consequence: 5 prime UTR variant.
Genome position (GRCh38, 1-based): chr14:22,819,653, T>C on the plus strand (A>G on the coding strand, the complement: SLC7A7 is on the minus strand). VCF-style: chr14-22819653-T-C. GRCh37 (hg19) VCF-style: chr14-23288862-T-C.
Identifiers: ClinVar variation 512666 (VCV000512666.3), dbSNP rs1325944004, ClinGen allele CA658798160.

ClinVar aggregate classification (germline): Likely benign (1 of 4 stars; one submission).

Allele frequency attached by ClinVar (database versions not stated): gnomAD 0.00004; TOPMed 0.00003.

Submission:

GeneDx
Classification: Likely benign. Last evaluated: 2017-10-27. Review status: criteria provided, single submitter. Criteria: GeneDx Variant Classification (06012015). Collection method: clinical testing. Allele origin: germline. Affected: yes.
Comment: This variant is considered likely benign or benign based on one or more of the following criteria: it is a conservative change, it occurs at a poorly conserved position in the protein, it is predicted to be benign by multiple in silico algorithms, and/or has population frequency not consistent with disease.